The following is an entry in ClinVar:

NM_003356.4(UCP3):c.406C>T (p.Pro136Ser)

Gene: UCP3 (uncoupling protein 3; minus strand). Cytogenetic location: 11q13.4.
Variant type: single nucleotide variant.
Coding change: c.406C>T on transcript NM_003356.4 (MANE Select); coding-DNA position 406, C replaced by T.
Protein change: p.Pro136Ser; replaces proline 136 with serine.
Molecular consequence: missense variant.
Genome position (GRCh38, 1-based): chr11:74,005,865, G>A on the plus strand (C>T on the coding strand, the complement: UCP3 is on the minus strand). VCF-style: chr11-74005865-G-A. GRCh37 (hg19) VCF-style: chr11-73716910-G-A.
Other names: c.406C>T, p.Pro136Ser (NM_022803.3); short protein forms P136S.
Identifiers: ClinVar variation 3351706 (VCV003351706.3).

ClinVar aggregate classification (germline): Uncertain significance. Review status: criteria provided, multiple submitters, no conflicts (2 of 4 stars). 2 submissions from 2 submitters: Uncertain significance (2). Last evaluated 2025-10-23.

Conditions:
UCP3-related disorder. Also called: UCP3-related condition.

gnomAD v4.1: 40 of 1,614,082 alleles (0.0025%); highest among the groups gnomAD compares: Admixed American, 0.032%; no homozygotes.

Submissions (2):

PreventionGenetics, part of Exact Sciences
Classification: Uncertain significance for UCP3-related condition. Last evaluated: 2025-10-23. Review status: criteria provided, single submitter. Criteria: ACMG Guidelines, 2015. Collection method: clinical testing. Allele origin: germline.
Comment: The UCP3 c.406C>T variant is predicted to result in the amino acid substitution p.Pro136Ser. To our knowledge, this variant has not been reported in the literature. This variant is reported in 0.023% of alleles in individuals of Latino descent in gnomAD. At this time, the clinical significance of this variant is uncertain due to the absence of conclusive functional and genetic evidence.

Ambry Genetics
Classification: Uncertain significance. Last evaluated: 2025-08-08. Review status: criteria provided, single submitter. Criteria: Ambry Variant Classification Scheme 2023. Collection method: clinical testing. Allele origin: germline.